The following is an entry in ClinVar:

NM_001953.5(TYMP):c.709G>T (p.Gly237Ter)

Gene: TYMP (thymidine phosphorylase; minus strand). Cytogenetic location: 22q13.33.
Variant type: single nucleotide variant.
Coding change: c.709G>T on transcript NM_001953.5 (MANE Select); coding-DNA position 709, G replaced by T.
Protein change: p.Gly237Ter; replaces glycine 237 with a stop codon.
Molecular consequence: nonsense.
Genome position (GRCh38, 1-based): chr22:50,527,221, C>A on the plus strand (G>T on the coding strand, the complement: TYMP is on the minus strand). VCF-style: chr22-50527221-C-A. GRCh37 (hg19) VCF-style: chr22-50965650-C-A.
Other names: c.709G>T, p.Gly237Ter (LRG_727t1, LRG_727t2, NM_001113755.3 and 3 more transcripts); short protein forms G237*.
Identifiers: ClinVar variation 432522 (VCV000432522.2), dbSNP rs1556488369, ClinGen allele CA412200655.
Genomic context (GRCh38, chr22:50,527,221, plus strand): 5'-TCACCAGCGTCTTTGCCAGCTCCCGGGCCTGCTCCTGGTTGGGGAAGACGGCGGCCCCTC[C>A]GAACTTAACGTCCACCACCAGAGCGGACAGCCCCTCCACGAGTTTCTTACTGAGAATGGA-3'

ClinVar aggregate classification (germline): Pathogenic (1 of 4 stars; one submission).

Submission:

GeneDx
Classification: Pathogenic. Last evaluated: 2017-06-08. Review status: criteria provided, single submitter. Criteria: GeneDx Variant Classification (06012015). Collection method: clinical testing. Allele origin: germline. Affected: yes.
Comment: The G237X variant in the TYMP gene has not been reported previously as a pathogenic variant nor as a benign variant, to our knowledge. This variant is predicted to cause loss of normal protein function either through protein truncation or nonsense-mediated mRNA decay. The G237X variant is not observed in large population cohorts (Lek et al., 2016; 1000 Genomes Consortium et al., 2015; Exome Variant Server). We interpret G237X as a pathogenic variant.